The following is an entry in ClinVar:

NM_000548.5(TSC2):c.5303T>G (p.Val1768Gly)

Gene: TSC2 (TSC complex subunit 2; plus strand). Cytogenetic location: 16p13.3.
Variant type: single nucleotide variant.
Coding change: c.5303T>G on transcript NM_000548.5 (MANE Select); coding-DNA position 5303, T replaced by G.
Protein change: p.Val1768Gly; replaces valine 1768 with glycine.
Molecular consequence: missense variant. On other transcripts: non-coding transcript variant (5).
Genome position (GRCh38, 1-based): chr16:2,088,489, T>G. VCF-style: chr16-2088489-T-G. GRCh37 (hg19) VCF-style: chr16-2138490-T-G.
Other names: c.5102T>G, p.Val1701Gly (NM_001077183.3); c.5234T>G, p.Val1745Gly (NM_001114382.3); c.4994T>G, p.Val1665Gly (NM_001318827.2); c.4958T>G, p.Val1653Gly (NM_001318829.2); c.4571T>G, p.Val1524Gly (NM_001318831.2); c.5135T>G, p.Val1712Gly (NM_001318832.2); c.5105T>G, p.Val1702Gly (NM_001363528.2); c.5171T>G, p.Val1724Gly (NM_001370404.1); and 27 more; short protein forms V1253G, V1297G, V1568G, V1665G, V1698G, V1712G, V1254G, V1277G.
Identifiers: ClinVar variation 3462576 (VCV003462576.1).
Genomic context (GRCh38, chr16:2,088,489, plus strand): 5'-GCCGCCTCTGCCTTCAGATCTGCGAGGAAGCCGCCTACTCCAACCCCAGCCTACCTCTGG[T>G]GCACCCTCCGTCCCATAGCAAAGCCCCTGCACAGACTCCAGCCGAGCCCACACCTGGCTA-3'
Protein context (NP_000539.2, residues 1758-1778): AAYSNPSLPL[Val1768Gly]HPPSHSKAPA

ClinVar aggregate classification (germline): Uncertain significance (1 of 4 stars; one submission).

Conditions:
Hereditary cancer-predisposing syndrome. Also called: Tumor predisposition; Neoplastic Syndromes, Hereditary; Hereditary neoplastic syndrome; Hereditary Cancer Syndrome. Identifiers: Orphanet 140162, MedGen C0027672, MeSH D009386, MONDO:0015356.

Submission:

Ambry Genetics
Classification: Uncertain significance for Hereditary cancer-predisposing syndrome. Last evaluated: 2024-07-02. Review status: criteria provided, single submitter. Criteria: Ambry Variant Classification Scheme 2023. Collection method: clinical testing. Allele origin: germline.
Comment: The p.V1768G variant (also known as c.5303T>G), located in coding exon 41 of the TSC2 gene, results from a T to G substitution at nucleotide position 5303. The valine at codon 1768 is replaced by glycine, an amino acid with dissimilar properties. This amino acid position is conserved. In addition, the in silico prediction for this alteration is inconclusive. Based on the available evidence, the clinical significance of this variant remains unclear.